The following is an entry in ClinVar:

NM_020975.6(RET):c.337+8_337+9delinsTA

Gene: RET (ret proto-oncogene; plus strand). Cytogenetic location: 10q11.21.
Variant type: Indel.
Coding change: c.337+8_337+9delinsTA on transcript NM_020975.6 (MANE Select); bases 8 to 9 of the intron after coding-DNA position 337, AG replaced by TA.
Molecular consequence: intron variant.
Genome position (GRCh38, 1-based): chr10:43,100,730-43,100,731, AG replaced by TA. VCF-style: chr10-43100730-AG-TA. GRCh37 (hg19) VCF-style: chr10-43596178-AG-TA.
Other names: c.337+8_337+9delinsTA (NM_020630.7, NM_001406743.1, NM_001406744.1 and 32 more transcripts); c.74-8301_74-8300delinsTA (NM_001406784.1); c.74-11369_74-11368delinsTA (NM_001406794.1, NM_001406792.1, NM_001406793.1).
Identifiers: ClinVar variation 2061820 (VCV002061820.4), dbSNP rs2492128452, ClinGen allele CA2580081482.

ClinVar aggregate classification (germline): Uncertain significance (1 of 4 stars; one submission).

Conditions:
Multiple endocrine neoplasia, type 2 (MEN2). Identifiers: Orphanet 653, MedGen C4048306, MONDO:0019003. Disease mechanism: gain of function.

Submission:

Labcorp Genetics (formerly Invitae), Labcorp
Classification: Uncertain significance for Multiple endocrine neoplasia, type 2. Last evaluated: 2025-07-06. Review status: criteria provided, single submitter. Criteria: Invitae Variant Classification Sherloc (09022015). Collection method: clinical testing. Allele origin: germline.
Comment: This sequence change falls in intron 2 of the RET gene. It does not directly change the encoded amino acid sequence of the RET protein. Information on the frequency of this variant in the gnomAD database is not available, as this variant may be reported differently in the database. This variant has not been reported in the literature in individuals affected with RET-related conditions. ClinVar contains an entry for this variant (Variation ID: 2061820). In summary, the available evidence is currently insufficient to determine the role of this variant in disease. Therefore, it has been classified as a Variant of Uncertain Significance.